The following is an entry in ClinVar:

ClinVar aggregate classification (germline): Benign. Review status: criteria provided, multiple submitters, no conflicts (2 of 4 stars). 7 submissions from 7 submitters: Benign (5). 2 of the submissions do not count toward it. Last evaluated 2026-02-03.

Allele frequency attached by ClinVar (database versions not stated): TOPMed 0.13011; gnomAD 0.13789; 1000 Genomes Project 0.15655; 1000 Genomes Project 30x 0.15303.
gnomAD v4.1: 244,422 of 1,548,944 alleles (16%); highest among the groups gnomAD compares: East Asian, 19%; 19,994 homozygotes.

Submissions (7):

Labcorp Genetics (formerly Invitae), Labcorp
Classification: Benign. Last evaluated: 2026-02-03. Review status: criteria provided, single submitter. Criteria: Invitae Variant Classification Sherloc (09022015). Collection method: clinical testing. Allele origin: germline.

Mayo Clinic Laboratories, Mayo Clinic
Classification: Benign. Last evaluated: 2020-10-20. Review status: criteria provided, single submitter. Criteria: ACMG Guidelines, 2015. Collection method: clinical testing. Allele origin: germline. Observed: 51 variant alleles.

GeneDx
Classification: Benign. Last evaluated: 2017-05-09. Review status: criteria provided, single submitter. Criteria: GeneDx Variant Classification (06012015). Collection method: clinical testing. Allele origin: germline. Affected: yes.
Comment: This variant is considered likely benign or benign based on one or more of the following criteria: it is a conservative change, it occurs at a poorly conserved position in the protein, it is predicted to be benign by multiple in silico algorithms, and/or has population frequency not consistent with disease.

Laboratory for Molecular Medicine, Mass General Brigham Personalized Medicine
Classification: Benign. Last evaluated: 2014-11-24. Review status: criteria provided, single submitter. Criteria: LMM Criteria. Collection method: clinical testing. Allele origin: germline. Observed: 270 variant alleles.
Comment: Arg1075Gln in exon 26 of OTOG: This variant is not expected to have clinical sig nificance because it has been identified in 21.5% (43/200) of Han Chinese chromo somes from a broad population by the 1000 Genomes Project (dbSNP rs11024333).

Breakthrough Genomics
Classification: Benign. Review status: criteria provided, single submitter. Criteria: ACMG Guidelines, 2015. Collection method: not provided. Allele origin: germline. Inheritance: Autosomal recessive inheritance. Affected: yes.

Diagnostic Laboratory, Department of Genetics, University Medical Center Groningen
Classification: Benign. Review status: no assertion criteria provided. Collection method: clinical testing. Allele origin: germline. Affected: yes. Study: VKGL Data-share Consensus. Not counted in ClinVar's aggregate classification.

Joint Genome Diagnostic Labs from Nijmegen and Maastricht, Radboudumc and MUMC+
Classification: Benign. Review status: no assertion criteria provided. Collection method: clinical testing. Allele origin: germline. Affected: yes. Study: VKGL Data-share Consensus. Not counted in ClinVar's aggregate classification.

NM_001292063.2(OTOG):c.3188G>A (p.Arg1063Gln)

Gene: OTOG (otogelin; plus strand). Cytogenetic location: 11p15.1.
Variant type: single nucleotide variant.
Coding change: c.3188G>A on transcript NM_001292063.2 (MANE Select); coding-DNA position 3188, G replaced by A.
Protein change: p.Arg1063Gln; replaces arginine 1063 with glutamine.
Molecular consequence: missense variant.
Genome position (GRCh38, 1-based): chr11:17,593,656, G>A. VCF-style: chr11-17593656-G-A. GRCh37 (hg19) VCF-style: chr11-17615203-G-A.
Other names: c.3224G>A, p.Arg1075Gln (NM_001277269.2); short protein forms R1075Q, R1063Q.
Identifiers: ClinVar variation 226879 (VCV000226879.20), dbSNP rs11024333, ClinGen allele CA5905708.